The following is an entry in ClinVar:

ClinVar aggregate classification (germline): Uncertain significance (1 of 4 stars; one submission).

Conditions:
Hereditary cancer-predisposing syndrome. Also called: Hereditary neoplastic syndrome; Neoplastic Syndromes, Hereditary; Tumor predisposition; Hereditary Cancer Syndrome. Identifiers: Orphanet 140162, MedGen C0027672, MeSH D009386, MONDO:0015356.

gnomAD v4.1: 2 of 1,613,346 alleles (0.00012%); highest among the groups gnomAD compares: South Asian, 0.0011%; no homozygotes.

Submission:

Ambry Genetics
Classification: Uncertain significance for Hereditary cancer-predisposing syndrome. Last evaluated: 2025-01-19. Review status: criteria provided, single submitter. Criteria: Ambry Variant Classification Scheme 2023. Collection method: clinical testing. Allele origin: germline.
Comment: The p.P37A variant (also known as c.109C>G), located in coding exon 1 of the HOXB13 gene, results from a C to G substitution at nucleotide position 109. The proline at codon 37 is replaced by alanine, an amino acid with highly similar properties. This amino acid position is conserved. In addition, the in silico prediction for this alteration is inconclusive. Based on the available evidence, the clinical significance of this variant remains unclear.

NM_006361.6(HOXB13):c.109C>G (p.Pro37Ala)

Gene: HOXB13 (homeobox B13; minus strand). Cytogenetic location: 17q21.32.
Variant type: single nucleotide variant.
Coding change: c.109C>G on transcript NM_006361.6 (MANE Select); coding-DNA position 109, C replaced by G.
Protein change: p.Pro37Ala; replaces proline 37 with alanine.
Molecular consequence: missense variant.
Genome position (GRCh38, 1-based): chr17:48,728,485, G>C on the plus strand (C>G on the coding strand, the complement: HOXB13 is on the minus strand). VCF-style: chr17-48728485-G-C. GRCh37 (hg19) VCF-style: chr17-46805847-G-C.
Other names: short protein forms P37A.
Identifiers: ClinVar variation 3858429 (VCV003858429.1).